The following is an entry in ClinVar:

NM_004187.5(KDM5C):c.3071del (p.Glu1024fs)

Gene: KDM5C (lysine demethylase 5C; minus strand). Cytogenetic location: Xp11.22.
Variant type: Deletion.
Coding change: c.3071del on transcript NM_004187.5 (MANE Select); coding-DNA position 3071, one base deleted (A; older notation c.3071delA).
Protein change: p.Glu1024fs; shifts the reading frame from glutamic acid 1024.
Molecular consequence: frameshift variant. On other transcripts: non-coding transcript variant (3).
Genome position (GRCh38, 1-based): chrX:53,195,965, T deleted on the plus strand (A on the coding strand, the reverse complement: KDM5C is on the minus strand). VCF-style (leftmost placement, unchanged base first): chrX-53195964-CT-C. GRCh37 (hg19) VCF-style: chrX-53225146-CT-C.
Other names: c.2870del, p.Glu957fs (NM_001146702.2); c.3068del, p.Glu1023fs (NM_001282622.3, NM_001353979.2, NM_001353982.2); c.3071del, p.Glu1024fs (NM_001353978.3, NM_001353981.2, NM_001353984.2); short protein forms E1024fs, E957fs, E1023fs.
Identifiers: ClinVar variation 4042371 (VCV004042371.1).

ClinVar aggregate classification (germline): Pathogenic (1 of 4 stars; one submission).

Conditions:
Inborn genetic diseases. Identifiers: MedGen C0950123, MeSH D030342.

Submission:

Ambry Genetics
Classification: Pathogenic for Inborn genetic diseases. Last evaluated: 2025-04-25. Review status: criteria provided, single submitter. Criteria: Ambry Variant Classification Scheme 2023. Collection method: clinical testing. Allele origin: germline.
Comment: The c.3071delA (p.E1024Gfs*31) alteration, located in exon 20 (coding exon 20) of the KDM5C gene, consists of a deletion of one nucleotide at position 3071, causing a translational frameshift with a predicted alternate stop codon after 31 amino acids. This alteration is expected to result in loss of function by premature protein truncation or nonsense-mediated mRNA decay. This variant was not reported in population-based cohorts in the Genome Aggregation Database (gnomAD). Based on the available evidence, this alteration is classified as pathogenic.